The following is an entry in ClinVar:

ClinVar aggregate classification (germline): Uncertain significance (1 of 4 stars; one submission).

Allele frequency attached by ClinVar (database versions not stated): 1000 Genomes Project 30x 0.00016; 1000 Genomes Project 0.00020.
gnomAD v4.1: 22 of 1,612,666 alleles (0.0014%); highest among the groups gnomAD compares: South Asian, 0.018%; no homozygotes.

Submission:

Labcorp Genetics (formerly Invitae), Labcorp
Classification: Uncertain significance. Last evaluated: 2022-04-12. Review status: criteria provided, single submitter. Criteria: Invitae Variant Classification Sherloc (09022015). Collection method: clinical testing. Allele origin: germline.
Comment: This sequence change replaces arginine, which is basic and polar, with leucine, which is neutral and non-polar, at codon 1695 of the ASPM protein (p.Arg1695Leu). This variant is present in population databases (rs541097917, gnomAD 0.01%). This variant has not been reported in the literature in individuals affected with ASPM-related conditions. Algorithms developed to predict the effect of missense changes on protein structure and function (SIFT, PolyPhen-2, Align-GVGD) all suggest that this variant is likely to be disruptive. In summary, the available evidence is currently insufficient to determine the role of this variant in disease. Therefore, it has been classified as a Variant of Uncertain Significance.

NM_018136.5(ASPM):c.5084G>T (p.Arg1695Leu)

Gene: ASPM (assembly factor for spindle microtubules; minus strand). Cytogenetic location: 1q31.3.
Variant type: single nucleotide variant.
Coding change: c.5084G>T on transcript NM_018136.5 (MANE Select); coding-DNA position 5084, G replaced by T.
Protein change: p.Arg1695Leu; replaces arginine 1695 with leucine.
Molecular consequence: missense variant. On other transcripts: intron variant (1).
Genome position (GRCh38, 1-based): chr1:197,104,167, C>A on the plus strand (G>T on the coding strand, the complement: ASPM is on the minus strand). VCF-style: chr1-197104167-C-A. GRCh37 (hg19) VCF-style: chr1-197073297-C-A.
Other names: c.4066-8003G>T (NM_001206846.2); short protein forms R1695L.
Identifiers: ClinVar variation 1921188 (VCV001921188.3), dbSNP rs541097917, ClinGen allele CA1309813.